The following is an entry in ClinVar:

NM_144658.4(DOCK11):c.75dup (p.Glu26Ter)

Gene: DOCK11 (dedicator of cytokinesis 11; plus strand). Cytogenetic location: Xq24.
Variant type: Duplication.
Coding change: c.75dup on transcript NM_144658.4 (MANE Select); coding-DNA position 75, one base duplicated (T; older notation c.75dupT).
Protein change: p.Glu26Ter; replaces glutamic acid 26 with a stop codon.
Molecular consequence: nonsense.
Genome position (GRCh38, 1-based): chrX:118,496,046, T duplicated. VCF-style (leftmost placement, unchanged base first): chrX-118496045-C-CT. GRCh37 (hg19) VCF-style: chrX-117630008-C-CT.
Other names: short protein forms E26*.
Identifiers: ClinVar variation 2444466 (VCV002444466.3), dbSNP rs2521619739, ClinGen allele CA2580612462.

ClinVar aggregate classification (germline): Pathogenic. Review status: criteria provided, single submitter (1 of 4 stars). 2 submissions from 2 submitters: Pathogenic (1). 1 of the submissions does not count toward it. Last evaluated 2023-03-15.

Conditions:
Autoinflammatory disease, multisystem, with immune dysregulation, X-linked (ADMIDX). Identifiers: MedGen C5829577, MONDO:0957494, OMIM 301109.
Inborn error of hematopoiesis and immunity with systemic inflammation and normocytic anemia.

Submissions (2):

St. Anna Children's Cancer Research Institute (CCRI)
Classification: Pathogenic for Inborn error of hematopoiesis and immunity with systemic inflammation and normocytic anemia. Last evaluated: 2023-03-15. Review status: criteria provided, single submitter. Criteria: ACMG Guidelines, 2015. Collection method: research. Allele origin: germline. Inheritance: X-linked recessive inheritance. Affected: yes.
Comment: Null variant (nonsense, frameshift, canonical +/−1 or 2 splice sites, initiation codon, single or multi-exon deletion) in a gene where loss of function (LOF) is a known mechanism of disease. Well-established in vitro or in vivo functional studies supportive of a damaging effect on the gene or gene product. Absent from controls (or at extremely low frequency if recessive) in Exome Sequencing Project, 1000 Genomes or ExAC.

OMIM
Classification: Pathogenic for AUTOINFLAMMATORY DISEASE, MULTISYSTEM, WITH IMMUNE DYSREGULATION, X-LINKED. Last evaluated: 2023-07-12. Review status: no assertion criteria provided. Collection method: literature only. Allele origin: germline. Not counted in ClinVar's aggregate classification.

Literature cited by the submitters: PubMed 37342957 (cited by OMIM).